The following is an entry in ClinVar:

ClinVar aggregate classification (germline): Benign/Likely benign. Review status: criteria provided, multiple submitters, no conflicts (2 of 4 stars). 5 submissions from 5 submitters: Benign (2); Likely benign (2). 1 of the submissions does not count toward it. Last evaluated 2026-07-01.

Conditions:
NCAPG2-related disorder. Also called: NCAPG2-related condition.

Allele frequency attached by ClinVar (database versions not stated): gnomAD exomes 0.00033 and 0.00079; ExAC 0.00111; gnomAD 0.00301 and 0.00330; 1000 Genomes Project 30x 0.00328; ESP Exome Variant Server 0.00328; 1000 Genomes Project 0.00339; TOPMed 0.00365.
gnomAD v4.1: 957 of 1,614,046 alleles (0.059%); highest among the groups gnomAD compares: African/African-American, 1.1%; no homozygotes.

Submissions (5):

CeGaT Center for Human Genetics Tuebingen
Classification: Likely benign. Last evaluated: 2026-07-01. Review status: criteria provided, single submitter. Criteria: CeGaT Center For Human Genetics Tuebingen Variant Classification Criteria Version 2. Collection method: clinical testing. Allele origin: germline. Affected: yes. Observed: 2 variant alleles.
Comment: NCAPG2: PP2, BS1

Blueprint Genetics
Classification: Likely benign. Last evaluated: 2024-09-11. Review status: criteria provided, single submitter. Criteria: ACMG Guidelines, 2015. Collection method: clinical testing. Allele origin: germline.

Labcorp Genetics (formerly Invitae), Labcorp
Classification: Benign. Last evaluated: 2018-04-05. Review status: criteria provided, single submitter. Criteria: Invitae Variant Classification Sherloc (09022015). Collection method: clinical testing. Allele origin: germline.

Breakthrough Genomics
Classification: Benign. Review status: criteria provided, single submitter. Criteria: ACMG Guidelines, 2015. Collection method: not provided. Allele origin: germline. Inheritance: Autosomal recessive inheritance. Affected: yes.

PreventionGenetics, part of Exact Sciences
Classification: Benign for NCAPG2-related condition. Last evaluated: 2019-05-20. Review status: no assertion criteria provided. Collection method: clinical testing. Allele origin: germline. Not counted in ClinVar's aggregate classification.
Comment: This variant is classified as benign based on ACMG/AMP sequence variant interpretation guidelines (Richards et al. 2015 PMID: 25741868, with internal and published modifications).

NM_017760.7(NCAPG2):c.130A>G (p.Arg44Gly)

Gene: NCAPG2 (non-SMC condensin II complex subunit G2; minus strand). Cytogenetic location: 7q36.3.
Variant type: single nucleotide variant.
Coding change: c.130A>G on transcript NM_017760.7 (MANE Select); coding-DNA position 130, A replaced by G.
Protein change: p.Arg44Gly; replaces arginine 44 with glycine.
Molecular consequence: missense variant. On other transcripts: non-coding transcript variant (1).
Genome position (GRCh38, 1-based): chr7:158,693,446, T>C on the plus strand (A>G on the coding strand, the complement: NCAPG2 is on the minus strand). VCF-style: chr7-158693446-T-C. GRCh37 (hg19) VCF-style: chr7-158486138-T-C.
Other names: c.130A>G, p.Arg44Gly (NM_001281932.2, NM_001281933.2); short protein forms R44G.
Identifiers: ClinVar variation 716147 (VCV000716147.30), dbSNP rs115095115, ClinGen allele CA4593205.